The following is an entry in ClinVar:

NM_030632.3(ASXL3):c.4940C>G (p.Ala1647Gly)

Gene: ASXL3 (ASXL transcriptional regulator 3; plus strand). Cytogenetic location: 18q12.1.
Variant type: single nucleotide variant.
Coding change: c.4940C>G on transcript NM_030632.3 (MANE Select); coding-DNA position 4940, C replaced by G.
Protein change: p.Ala1647Gly; replaces alanine 1647 with glycine.
Molecular consequence: missense variant.
Genome position (GRCh38, 1-based): chr18:33,744,788, C>G. VCF-style: chr18-33744788-C-G. GRCh37 (hg19) VCF-style: chr18-31324752-C-G.
Other names: short protein forms A1647G.
Identifiers: ClinVar variation 3900550 (VCV003900550.1).

ClinVar aggregate classification (germline): Uncertain significance (1 of 4 stars; one submission).

Submission:

GeneDx
Classification: Uncertain significance. Last evaluated: 2024-11-20. Review status: criteria provided, single submitter. Criteria: GeneDx Variant Classification Process June 2021. Collection method: clinical testing. Allele origin: germline. Affected: yes.
Comment: Not observed at significant frequency in large population cohorts (gnomAD); In silico analysis indicates that this missense variant does not alter protein structure/function; Has not been previously published as pathogenic or benign to our knowledge